The following is an entry in ClinVar:

NM_001134831.2(AHI1):c.2884C>T (p.Gln962Ter)

Gene: AHI1 (Abelson helper integration site 1; minus strand). Cytogenetic location: 6q23.3.
Variant type: single nucleotide variant.
Coding change: c.2884C>T on transcript NM_001134831.2 (MANE Select); coding-DNA position 2884, C replaced by T.
Protein change: p.Gln962Ter; replaces glutamine 962 with a stop codon.
Molecular consequence: nonsense.
Genome position (GRCh38, 1-based): chr6:135,411,425, G>A on the plus strand (C>T on the coding strand, the complement: AHI1 is on the minus strand). VCF-style: chr6-135411425-G-A. GRCh37 (hg19) VCF-style: chr6-135732563-G-A.
Other names: c.2884C>T, p.Gln962Ter (NM_001134830.2, NM_001134832.2, NM_001350503.2 and 2 more transcripts); short protein forms Q962*.
Identifiers: ClinVar variation 2727329 (VCV002727329.3), dbSNP rs2484269420, ClinGen allele CA365845997.
Genomic context (GRCh38, chr6:135,411,425, plus strand): 5'-TCTGTTTTACTAGCTGCATCTTCGTTGAAGAACTTTCAGTGTGGACAAATTCATCAATCT[G>A]AAAAGAGCCTTGATGGGGTAGTTTTGGACAGGTACATAGGGCATCTTGACTTTGGTGTAT-3'

ClinVar aggregate classification (germline): Pathogenic (1 of 4 stars; one submission).

Conditions:
Joubert syndrome. Also called: CEREBELLOPARENCHYMAL DISORDER IV; JOUBERT-BOLTSHAUSER SYNDROME; Familial aplasia of the vermis. Identifiers: Orphanet 475, MedGen C5979921, MONDO:0018772.

Submission:

Labcorp Genetics (formerly Invitae), Labcorp
Classification: Pathogenic for Joubert syndrome. Last evaluated: 2023-07-11. Review status: criteria provided, single submitter. Criteria: Invitae Variant Classification Sherloc (09022015). Collection method: clinical testing. Allele origin: germline.
Comment: This sequence change creates a premature translational stop signal (p.Gln962*) in the AHI1 gene. It is expected to result in an absent or disrupted protein product. Loss-of-function variants in AHI1 are known to be pathogenic (PMID: 15322546, 16453322, 28442542, 29186038). This variant has not been reported in the literature in individuals affected with AHI1-related conditions. This variant is not present in population databases (gnomAD no frequency). For these reasons, this variant has been classified as Pathogenic.

Literature cited by the submitters: PubMed 15322546; PubMed 16453322; PubMed 28442542; PubMed 29186038.